The following is an entry in ClinVar:

ClinVar aggregate classification (germline): Uncertain significance (1 of 4 stars; one submission).

Submission:

GeneDx
Classification: Uncertain significance. Last evaluated: 2019-08-06. Review status: criteria provided, single submitter. Criteria: GeneDx Variant Classification Process June 2021. Collection method: clinical testing. Allele origin: germline. Affected: yes.
Comment: Not observed in large population cohorts (Lek et al., 2016); In silico analysis, which includes protein predictors and evolutionary conservation, supports that this variant does not alter protein structure/function; Has not been previously published as pathogenic or benign to our knowledge

NM_000419.5(ITGA2B):c.185G>A (p.Gly62Glu)

Gene: ITGA2B (integrin subunit alpha 2b; minus strand). Cytogenetic location: 17q21.31.
Variant type: single nucleotide variant.
Coding change: c.185G>A on transcript NM_000419.5 (MANE Select); coding-DNA position 185, G replaced by A.
Protein change: p.Gly62Glu; replaces glycine 62 with glutamic acid.
Molecular consequence: missense variant.
Genome position (GRCh38, 1-based): chr17:44,389,289, C>T on the plus strand (G>A on the coding strand, the complement: ITGA2B is on the minus strand). VCF-style: chr17-44389289-C-T. GRCh37 (hg19) VCF-style: chr17-42466657-C-T.
Other names: short protein forms G62E.
Identifiers: ClinVar variation 1302709 (VCV001302709.2), dbSNP rs2143506283, ClinGen allele CA399806756.